The following is an entry in ClinVar:

ClinVar aggregate classification (germline): Likely pathogenic (1 of 4 stars; one submission).

gnomAD v4.1: 4 of 1,578,878 alleles (0.00025%); highest among the groups gnomAD compares: Admixed American, 0.0067%; no homozygotes.

Submission:

GeneDx
Classification: Likely pathogenic. Last evaluated: 2026-08-05. Review status: criteria provided, single submitter. Criteria: GeneDx Variant Classification Process June 2021. Collection method: clinical testing. Allele origin: germline.
Comment: Canonical splice site variant predicted to result in an in-frame loss of the adjacent exon in a gene for which loss of function is a known mechanism of disease; Not observed at significant frequency in large population cohorts (gnomAD); Has not been previously published as pathogenic or benign to our knowledge

NM_004667.6(HERC2):c.5846-1G>A

Gene: HERC2 (HECT and RLD domain containing E3 ubiquitin protein ligase 2; minus strand). Cytogenetic location: 15q13.1.
Variant type: single nucleotide variant.
Coding change: c.5846-1G>A on transcript NM_004667.6 (MANE Select); the canonical splice acceptor site of the intron before coding-DNA position 5846, G replaced by A.
Molecular consequence: splice acceptor variant.
Genome position (GRCh38, 1-based): chr15:28,218,672, C>T on the plus strand (G>A on the coding strand, the complement: HERC2 is on the minus strand). VCF-style: chr15-28218672-C-T. GRCh37 (hg19) VCF-style: chr15-28463818-C-T.
Identifiers: ClinVar variation 3901544 (VCV003901544.2).